The following is an entry in ClinVar:

NM_002474.3(MYH11):c.2521-15A>G

Gene: MYH11 (myosin heavy chain 11; minus strand). Cytogenetic location: 16p13.11.
Variant type: single nucleotide variant.
Coding change: c.2521-15A>G on transcript NM_002474.3 (MANE Select); 15 bases into the intron before coding-DNA position 2521, A replaced by G.
Molecular consequence: intron variant.
Genome position (GRCh38, 1-based): chr16:15,741,906, T>C on the plus strand (A>G on the coding strand, the complement: MYH11 is on the minus strand). VCF-style: chr16-15741906-T-C. GRCh37 (hg19) VCF-style: chr16-15835763-T-C.
Other names: c.2521-15A>G (NM_022844.3); c.2542-15A>G (NM_001040114.2, NM_001040113.2).
Identifiers: ClinVar variation 920873 (VCV000920873.3), dbSNP rs778650159, ClinGen allele CA7922240.

ClinVar aggregate classification (germline): Conflicting classifications of pathogenicity. Review status: criteria provided, conflicting classifications (1 of 4 stars). 2 submissions from 2 submitters: Uncertain significance (1); Likely benign (1). Last evaluated 2025-11-09.

Conditions:
Familial thoracic aortic aneurysm and aortic dissection (TAAD). Also called: Thoracic aortic aneurysms and dissections. Identifiers: Orphanet 91387, MedGen C4707243, MONDO:0019625.
Aortic aneurysm, familial thoracic 4 (AAT4). Also called: AORTIC ANEURYSM/AORTIC DISSECTION AND PATENT DUCTUS ARTERIOSUS. Identifiers: MedGen C1851504, MONDO:0007568, OMIM 132900.

Allele frequency attached by ClinVar (database versions not stated): TOPMed below 0.00001; ExAC 0.00001; gnomAD 0.00001; gnomAD exomes 0.00001.
gnomAD v4.1: 12 of 1,614,036 alleles (0.00074%); highest among the groups gnomAD compares: Non-Finnish European, 0.00093%; no homozygotes.

Submissions (2):

Labcorp Genetics (formerly Invitae), Labcorp
Classification: Uncertain significance for Aortic aneurysm, familial thoracic 4. Last evaluated: 2025-11-09. Review status: criteria provided, single submitter. Criteria: Invitae Variant Classification Sherloc (09022015). Collection method: clinical testing. Allele origin: germline.
Comment: This sequence change falls in intron 21 of the MYH11 gene. It does not directly change the encoded amino acid sequence of the MYH11 protein. This variant is present in population databases (rs778650159, gnomAD 0.003%). This variant has not been reported in the literature in individuals affected with MYH11-related conditions. ClinVar contains an entry for this variant (Variation ID: 920873). Algorithms developed to predict the effect of sequence changes on RNA splicing suggest that this variant may disrupt the consensus splice site. In summary, the available evidence is currently insufficient to determine the role of this variant in disease. Therefore, it has been classified as a Variant of Uncertain Significance.

Color Diagnostics, LLC DBA Color Health
Classification: Likely benign for Familial thoracic aortic aneurysm and aortic dissection. Last evaluated: 2019-06-13. Review status: criteria provided, single submitter. Criteria: ACMG Guidelines, 2015. Collection method: clinical testing. Allele origin: germline.